The following is an entry in ClinVar:

ClinVar aggregate classification (germline): Conflicting classifications of pathogenicity. Review status: criteria provided, conflicting classifications (1 of 4 stars). 7 submissions from 7 submitters: Uncertain significance (1); Likely benign (5). 1 of the submissions does not count toward it. Last evaluated 2025-12-29.

Conditions:
NLRP12-related disorder. Also called: NLRP12-related conditions; NLRP12-related condition.
Autoinflammatory syndrome. Identifiers: Orphanet 93665, MedGen C3890737, MONDO:0019751.
Familial cold autoinflammatory syndrome 2 (FCAS2). Identifiers: Orphanet 247868, MedGen C2673198, MONDO:0012724, OMIM 611762.

Allele frequency attached by ClinVar (database versions not stated): gnomAD exomes 0.00008 and 0.00022; ExAC 0.00021; gnomAD 0.00021 and 0.00022; TOPMed 0.00028; 1000 Genomes Project 30x 0.00031; 1000 Genomes Project 0.00040.
gnomAD v4.1: 192 of 1,613,006 alleles (0.012%); highest among the groups gnomAD compares: East Asian, 0.2%; 1 homozygote.

Submissions (7):

Labcorp Genetics (formerly Invitae), Labcorp
Classification: Likely benign for Familial cold autoinflammatory syndrome 2. Last evaluated: 2025-12-29. Review status: criteria provided, single submitter. Criteria: Invitae Variant Classification Sherloc (09022015). Collection method: clinical testing. Allele origin: germline.

Blueprint Genetics
Classification: Likely benign. Last evaluated: 2024-11-27. Review status: criteria provided, single submitter. Criteria: ACMG Guidelines, 2015. Collection method: clinical testing. Allele origin: germline.

Genetics and Molecular Pathology, SA Pathology
Classification: Likely benign for Familial cold autoinflammatory syndrome 2. Last evaluated: 2020-11-09. Review status: criteria provided, single submitter. Criteria: ACMG Guidelines, 2015. Collection method: clinical testing. Allele origin: germline. Inheritance: Autosomal dominant inheritance. Affected: yes.
Comment: The NLRP12 c.629C>T variant is classified as Likely Benign (BS1, BP6) The frequency of this variant in population databases is higher than expected for this disorder (BS1).

ARUP Laboratories, Molecular Genetics and Genomics, ARUP Laboratories
Classification: Likely benign for Familial cold autoinflammatory syndrome 2. Last evaluated: 2020-08-25. Review status: criteria provided, single submitter. Criteria: ARUP Molecular Germline Variant Investigation Process. Collection method: clinical testing. Allele origin: germline.

Genome Diagnostics Laboratory, The Hospital for Sick Children
Classification: Uncertain significance for Autoinflammatory syndrome. Last evaluated: 2020-01-01. Review status: criteria provided, single submitter. Criteria: ACMG Guidelines, 2015. Collection method: clinical testing. Allele origin: germline. Affected: yes.

Illumina Laboratory Services, Illumina
Classification: Likely benign for Familial cold autoinflammatory syndrome 2. Last evaluated: 2017-04-27. Review status: criteria provided, single submitter. Criteria: ICSL Variant Classification Criteria 13 December 2019. Collection method: clinical testing. Allele origin: germline.
Comment: This variant was observed as part of a predisposition screen in an ostensibly healthy population. A literature search was performed for the gene, cDNA change, and amino acid change (where applicable). No publications were found based on this search. Allele frequency data from public databases allowed determination this variant is unlikely to cause disease. Therefore, this variant is classified as likely benign.

PreventionGenetics, part of Exact Sciences
Classification: Likely benign for NLRP12-related condition. Last evaluated: 2019-12-24. Review status: no assertion criteria provided. Collection method: clinical testing. Allele origin: germline. Not counted in ClinVar's aggregate classification.
Comment: This variant is classified as likely benign based on ACMG/AMP sequence variant interpretation guidelines (Richards et al. 2015 PMID: 25741868, with internal and published modifications).

NM_144687.4(NLRP12):c.629C>T (p.Pro210Leu)

Gene: NLRP12 (NLR family pyrin domain containing 12; minus strand). Cytogenetic location: 19q13.42.
Variant type: single nucleotide variant.
Coding change: c.629C>T on transcript NM_144687.4 (MANE Select); coding-DNA position 629, C replaced by T.
Protein change: p.Pro210Leu; replaces proline 210 with leucine.
Molecular consequence: missense variant.
Genome position (GRCh38, 1-based): chr19:53,811,030, G>A on the plus strand (C>T on the coding strand, the complement: NLRP12 is on the minus strand). VCF-style: chr19-53811030-G-A. GRCh37 (hg19) VCF-style: chr19-54314284-G-A.
Other names: c.629C>T, p.Pro210Leu (NM_001277126.2, NM_001277129.1); short protein forms P210L.
Identifiers: ClinVar variation 330040 (VCV000330040.30), dbSNP rs377594629, ClinGen allele CA9639652.